The following is an entry in ClinVar:

ClinVar aggregate classification (germline): Likely pathogenic (1 of 4 stars; one submission).

Conditions:
Sotos syndrome (SOTOS). Also called: Distinctive facial appearance, overgrowth in childhood, and learning disabilities or delayed development; CHROMOSOME 5q35 DELETION SYNDROME; SOTOS SYNDROME 1; CEREBRAL GIGANTISM; Sotos' syndrome. Identifiers: Orphanet 821, MedGen C0175695, MONDO:0019349, OMIM 117550.

Submission:

Molecular Genetics Laboratory, Motol Hospital
Classification: Likely pathogenic for Sotos syndrome. Last evaluated: 2026-04-03. Review status: criteria provided, single submitter. Criteria: ACMG Guidelines, 2015. Collection method: clinical testing. Allele origin: de novo. Inheritance: Sporadic. Affected: yes. Observed: 1 variant allele, 1 heterozygote.
Comment: Rare variant not present in gnomAD (v4.1.1). Rare truncating variants in the NSD1 gene are associated with Sotos syndrome (OMIM:117550). The variant is classified as likely pathogenic (ACMG PVS1, PM2, PM6).

Literature cited by the submitters: PubMed 17825104; NCBI Bookshelf NBK1479.

NM_022455.5(NSD1):c.7377dup (p.Asp2460fs)

Gene: NSD1 (nuclear receptor binding SET domain protein 1; plus strand). Cytogenetic location: 5q35.3.
Variant type: Duplication.
Coding change: c.7377dup on transcript NM_022455.5 (MANE Select); coding-DNA position 7377, one base duplicated (A; older notation c.7377dupA).
Protein change: p.Asp2460fs; shifts the reading frame from aspartic acid 2460.
Molecular consequence: frameshift variant.
Genome position (GRCh38, 1-based): chr5:177,294,745, A duplicated. VCF-style (leftmost placement, unchanged base first): chr5-177294744-T-TA. GRCh37 (hg19) VCF-style: chr5-176721745-T-TA.
Other names: c.6504dup, p.Asp2169fs (NM_001365684.2, NM_001409308.1, NM_172349.5); c.7377dup, p.Asp2460fs (NM_001409301.1, NM_001409302.1, NM_001409303.1); c.6957dup, p.Asp2320fs (NM_001409304.1); c.6624dup, p.Asp2209fs (NM_001409305.1); c.6615dup, p.Asp2206fs (NM_001409306.1, NM_001409307.1); c.6255dup, p.Asp2086fs (NM_001409309.1); short protein forms D2086fs, D2169fs, D2206fs, D2209fs, D2320fs, D2460fs.
Identifiers: ClinVar variation 4820652 (VCV004820652.1).
Genomic context (GRCh38, chr5:177,294,744, plus strand): 5'-TGAGGCCTGTGGACCAGAATACTCAGTCAAAAAATAGAGCTGCTTTGGTGATGGATCTCA[T>TA]AGACCTAACTCCTCGCCAGAAGGAGCGGGCAGCTTCACCTCATCAGGTCACACCACAGGC-3'